The following is an entry in ClinVar:

NM_004656.4(BAP1):c.1473G>C (p.Glu491Asp)

Gene: BAP1 (BRCA1 associated deubiquitinase 1; minus strand). Cytogenetic location: 3p21.1.
Variant type: single nucleotide variant.
Coding change: c.1473G>C on transcript NM_004656.4 (MANE Select); coding-DNA position 1473, G replaced by C.
Protein change: p.Glu491Asp; replaces glutamic acid 491 with aspartic acid.
Molecular consequence: missense variant.
Genome position (GRCh38, 1-based): chr3:52,403,672, C>G on the plus strand (G>C on the coding strand, the complement: BAP1 is on the minus strand). VCF-style: chr3-52403672-C-G. GRCh37 (hg19) VCF-style: chr3-52437688-C-G.
Other names: c.1419G>C, p.Glu473Asp (NM_001410772.1); short protein forms E473D, E491D.
Identifiers: ClinVar variation 4194718 (VCV004194718.1).

ClinVar aggregate classification (germline): Uncertain significance (1 of 4 stars; one submission).

Conditions:
Hereditary cancer-predisposing syndrome. Also called: Neoplastic Syndromes, Hereditary; Tumor predisposition; Hereditary Cancer Syndrome; Hereditary neoplastic syndrome. Identifiers: Orphanet 140162, MedGen C0027672, MeSH D009386, MONDO:0015356.

Submission:

Ambry Genetics
Classification: Uncertain significance for Hereditary cancer-predisposing syndrome. Last evaluated: 2025-08-12. Review status: criteria provided, single submitter. Criteria: Ambry Variant Classification Scheme 2023. Collection method: clinical testing. Allele origin: germline.
Comment: The p.E491D variant (also known as c.1473G>C), located in coding exon 13 of the BAP1 gene, results from a G to C substitution at nucleotide position 1473. The glutamic acid at codon 491 is replaced by aspartic acid, an amino acid with highly similar properties. This amino acid position is conserved. In addition, this alteration is predicted to be tolerated by in silico analysis. Based on the available evidence, the clinical significance of this variant remains unclear.